The following is an entry in ClinVar:

NM_181783.4(TMTC3):c.1138G>A (p.Val380Ile)

Gene: TMTC3 (transmembrane O-mannosyltransferase targeting cadherins 3; plus strand). Cytogenetic location: 12q21.32.
Variant type: single nucleotide variant.
Coding change: c.1138G>A on transcript NM_181783.4 (MANE Select); coding-DNA position 1138, G replaced by A.
Protein change: p.Val380Ile; replaces valine 380 with isoleucine.
Molecular consequence: missense variant. On other transcripts: non-coding transcript variant (1).
Genome position (GRCh38, 1-based): chr12:88,172,684, G>A. VCF-style: chr12-88172684-G-A. GRCh37 (hg19) VCF-style: chr12-88566461-G-A.
Other names: c.1138G>A (NM_181783.3); c.958G>A, p.Val320Ile (NM_001366574.1); c.919G>A, p.Val307Ile (NM_001366579.1); c.871G>A, p.Val291Ile (NM_001366580.1); c.445G>A, p.Val149Ile (NM_001366583.1); short protein forms V320I, V380I, V149I, V307I, V291I.
Identifiers: ClinVar variation 1930638 (VCV001930638.6), dbSNP rs553634185, ClinGen allele CA6713217.
Genomic context (GRCh38, chr12:88,172,684, plus strand): 5'-ATTCCTGCATCGAACCTTTTTTTTCCAGTTGGATTTGTTGTTGCCGAGCGAGTATTATAT[G>A]TTCCCAGCATGGGGTTCTGTATTTTGGTAGCCCATGGATGGCAGAAAATATCAACAAAAA-3'
Protein context (NP_861448.2, residues 370-390): GFVVAERVLY[Val380Ile]PSMGFCILVA

ClinVar aggregate classification (germline): Uncertain significance. Review status: criteria provided, multiple submitters, no conflicts (2 of 4 stars). 2 submissions from 2 submitters: Uncertain significance (2). Last evaluated 2025-05-13.

Conditions:
Inborn genetic diseases. Identifiers: MedGen C0950123, MeSH D030342.

Allele frequency attached by ClinVar (database versions not stated): gnomAD exomes below 0.00001; ExAC 0.00001; gnomAD 0.00001; 1000 Genomes Project 30x 0.00016; 1000 Genomes Project 0.00020.

Submissions (2):

Ambry Genetics
Classification: Uncertain significance for Inborn genetic diseases. Last evaluated: 2025-05-13. Review status: criteria provided, single submitter. Criteria: Ambry Variant Classification Scheme 2023. Collection method: clinical testing. Allele origin: germline.

Labcorp Genetics (formerly Invitae), Labcorp
Classification: Uncertain significance. Last evaluated: 2022-06-30. Review status: criteria provided, single submitter. Criteria: Invitae Variant Classification Sherloc (09022015). Collection method: clinical testing. Allele origin: germline.
Comment: In summary, the available evidence is currently insufficient to determine the role of this variant in disease. Therefore, it has been classified as a Variant of Uncertain Significance. Algorithms developed to predict the effect of missense changes on protein structure and function (SIFT, PolyPhen-2, Align-GVGD) all suggest that this variant is likely to be tolerated. This sequence change replaces valine, which is neutral and non-polar, with isoleucine, which is neutral and non-polar, at codon 380 of the TMTC3 protein (p.Val380Ile). This variant is present in population databases (rs553634185, gnomAD 0.006%). This variant has not been reported in the literature in individuals affected with TMTC3-related conditions.